The following is an entry in ClinVar:

ClinVar aggregate classification (germline): Likely benign (1 of 4 stars; one submission).

Allele frequency attached by ClinVar (database versions not stated): ExAC 0.00042; 1000 Genomes Project 30x 0.00062; 1000 Genomes Project 0.00080; gnomAD 0.00135; TOPMed 0.00155; ESP Exome Variant Server 0.00161.
gnomAD v4.1: 400 of 1,612,900 alleles (0.025%); highest among the groups gnomAD compares: African/African-American, 0.47%; 1 homozygote.

Submission:

CeGaT Center for Human Genetics Tuebingen
Classification: Likely benign. Last evaluated: 2024-12-01. Review status: criteria provided, single submitter. Criteria: CeGaT Center For Human Genetics Tuebingen Variant Classification Criteria Version 2. Collection method: clinical testing. Allele origin: germline. Affected: yes. Observed: 3 variant alleles.
Comment: CDKN1A: BP4, BP7

NM_000389.5(CDKN1A):c.165C>T (p.Thr55=)

Gene: CDKN1A (cyclin dependent kinase inhibitor 1A; plus strand). Cytogenetic location: 6p21.2.
Variant type: single nucleotide variant.
Coding change: c.165C>T on transcript NM_000389.5 (MANE Select); coding-DNA position 165, C replaced by T.
Protein change: p.Thr55=; no amino-acid change (threonine 55 retained).
Molecular consequence: synonymous variant.
Genome position (GRCh38, 1-based): chr6:36,684,266, C>T. VCF-style: chr6-36684266-C-T. GRCh37 (hg19) VCF-style: chr6-36652043-C-T.
Other names: c.165C>T, p.Thr55= (NM_001220777.2, NM_001220778.2, NM_001374511.1 and 3 more transcripts); c.267C>T, p.Thr89= (NM_001291549.3, NM_001374509.1); c.204C>T, p.Thr68= (NM_001374510.1).
Identifiers: ClinVar variation 2656517 (VCV002656517.24), dbSNP rs138747021, ClinGen allele CA3780347.